The following is an entry in ClinVar:

NM_002693.3(POLG):c.1079A>G (p.His360Arg)

Gene: POLG (DNA polymerase gamma, catalytic subunit; minus strand). Cytogenetic location: 15q26.1.
Variant type: single nucleotide variant.
Coding change: c.1079A>G on transcript NM_002693.3 (MANE Select); coding-DNA position 1079, A replaced by G.
Protein change: p.His360Arg; replaces histidine 360 with arginine.
Molecular consequence: missense variant.
Genome position (GRCh38, 1-based): chr15:89,328,776, T>C on the plus strand (A>G on the coding strand, the complement: POLG is on the minus strand). VCF-style: chr15-89328776-T-C. GRCh37 (hg19) VCF-style: chr15-89872007-T-C.
Other names: c.1079A>G, p.His360Arg (NM_001126131.2); short protein forms H360R.
Identifiers: ClinVar variation 3708822 (VCV003708822.2).
Genomic context (GRCh38, chr15:89,328,776, plus strand): 5'-CCCTTCACAAACAGTTCTCGAGGCTCCTTCTCTAAGGGAGGCCCCCCTACATAAAGTCTG[T>C]GCACCTCTGCCAGACTGTTGACACTGCTGATGTCCAGCCAGTCCCAGGATGAGATCTGGG-3'
Protein context (NP_002684.1, residues 350-370): ISSVNSLAEV[His360Arg]RLYVGGPPLE

ClinVar aggregate classification (germline): Uncertain significance (1 of 4 stars; one submission).

Conditions:
Progressive sclerosing poliodystrophy (MTDPS4A). Also called: ALPERS PROGRESSIVE INFANTILE POLIODYSTROPHY; NEURONAL DEGENERATION OF CHILDHOOD WITH LIVER DISEASE, PROGRESSIVE; Alpers Syndrome; ALPERS DIFFUSE DEGENERATION OF CEREBRAL GRAY MATTER WITH HEPATIC CIRRHOSIS; Alpers-Huttenlocher Syndrome; Mitochondrial DNA depletion syndrome 4A (Alpers type). Identifiers: Orphanet 726, MedGen C0205710, MONDO:0008758, OMIM 203700.

Submission:

Labcorp Genetics (formerly Invitae), Labcorp
Classification: Uncertain significance for Progressive sclerosing poliodystrophy. Last evaluated: 2024-10-24. Review status: criteria provided, single submitter. Criteria: Invitae Variant Classification Sherloc (09022015). Collection method: clinical testing. Allele origin: germline.
Comment: This sequence change replaces histidine, which is basic and polar, with arginine, which is basic and polar, at codon 360 of the POLG protein (p.His360Arg). This variant is not present in population databases (gnomAD no frequency). This variant has not been reported in the literature in individuals affected with POLG-related conditions. Invitae Evidence Modeling of protein sequence and biophysical properties (such as structural, functional, and spatial information, amino acid conservation, physicochemical variation, residue mobility, and thermodynamic stability) indicates that this missense variant is expected to disrupt POLG protein function with a positive predictive value of 95%. In summary, the available evidence is currently insufficient to determine the role of this variant in disease. Therefore, it has been classified as a Variant of Uncertain Significance.